The following is an entry in ClinVar:

NM_017433.5(MYO3A):c.275A>G (p.Asn92Ser)

Gene: MYO3A (myosin IIIA; plus strand). Cytogenetic location: 10p12.1.
Variant type: single nucleotide variant.
Coding change: c.275A>G on transcript NM_017433.5 (MANE Select); coding-DNA position 275, A replaced by G.
Protein change: p.Asn92Ser; replaces asparagine 92 with serine.
Molecular consequence: missense variant.
Genome position (GRCh38, 1-based): chr10:25,954,980, A>G. VCF-style: chr10-25954980-A-G. GRCh37 (hg19) VCF-style: chr10-26243909-A-G.
Other names: c.275A>G, p.Asn92Ser (NM_001368265.1); short protein forms N92S.
Identifiers: ClinVar variation 1347179 (VCV001347179.8), dbSNP rs977481088, ClinGen allele CA204352755.

ClinVar aggregate classification (germline): Uncertain significance (1 of 4 stars; one submission).

Allele frequency attached by ClinVar (database versions not stated): gnomAD exomes below 0.00001.
gnomAD v4.1: 2 of 1,613,142 alleles (0.00012%); highest among the groups gnomAD compares: Non-Finnish European, 0.000085%; no homozygotes.

Submission:

Labcorp Genetics (formerly Invitae), Labcorp
Classification: Uncertain significance. Last evaluated: 2025-01-06. Review status: criteria provided, single submitter. Criteria: Invitae Variant Classification Sherloc (09022015). Collection method: clinical testing. Allele origin: germline.
Comment: This sequence change replaces asparagine, which is neutral and polar, with serine, which is neutral and polar, at codon 92 of the MYO3A protein (p.Asn92Ser). This variant is not present in population databases (gnomAD no frequency). This variant has not been reported in the literature in individuals affected with MYO3A-related conditions. ClinVar contains an entry for this variant (Variation ID: 1347179). An algorithm developed to predict the effect of missense changes on protein structure and function outputs the following: PolyPhen-2: "Benign". The serine amino acid residue is found in multiple mammalian species, which suggests that this missense change does not adversely affect protein function. In summary, the available evidence is currently insufficient to determine the role of this variant in disease. Therefore, it has been classified as a Variant of Uncertain Significance.